The following is an entry in ClinVar:

ClinVar aggregate classification (germline): Uncertain significance. Review status: criteria provided, multiple submitters, no conflicts (2 of 4 stars). 2 submissions from 2 submitters: Uncertain significance (2). Last evaluated 2019-06-12.

Conditions:
Ataxia-telangiectasia syndrome (AT). Also called: Ataxia-telangiectasia, complementation group D; Cerebello-oculocutaneous telangiectasia; Immunodeficiency with ataxia telangiectasia; ATAXIA-TELANGIECTASIA, COMPLEMENTATION GROUP A; ATAXIA-TELANGIECTASIA, FRESNO VARIANT; LOUIS-BAR SYNDROME. Identifiers: Orphanet 100, MedGen C0004135, MONDO:0008840, OMIM 208900.

Submissions (2):

Labcorp Genetics (formerly Invitae), Labcorp
Classification: Uncertain significance for Ataxia-telangiectasia syndrome. Last evaluated: 2019-06-12. Review status: criteria provided, single submitter. Criteria: Invitae Variant Classification Sherloc (09022015). Collection method: clinical testing. Allele origin: germline.
Comment: This sequence change replaces lysine with glutamine at codon 276 of the ATM protein (p.Lys276Gln). The lysine residue is highly conserved and there is a small physicochemical difference between lysine and glutamine. This variant is not present in population databases (ExAC no frequency). This variant has not been reported in the literature in individuals with ATM-related conditions. ClinVar contains an entry for this variant (Variation ID: 419650). Algorithms developed to predict the effect of missense changes on protein structure and function are either unavailable or do not agree on the potential impact of this missense change (SIFT: "Deleterious"; PolyPhen-2: "Probably Damaging"; Align-GVGD: "Class C0"). In summary, the available evidence is currently insufficient to determine the role of this variant in disease. Therefore, it has been classified as a Variant of Uncertain Significance.

GeneDx
Classification: Uncertain significance. Last evaluated: 2015-08-06. Review status: criteria provided, single submitter. Criteria: GeneDx Variant Classification (06012015). Collection method: clinical testing. Allele origin: germline. Affected: yes.
Comment: This variant is denoted ATM c.826A>C at the cDNA level, p.Lys276Gln (K276Q) at the protein level, and results in the change of a Lysine to a Glutamine (AAA>CAA). This variant has not, to our knowledge, been published in the literature as pathogenic or benign. ATM Lys276Gln was not observed in approximately 6,500 individuals of European and African American ancestry in the NHLBI Exome Sequencing Project, indicating it is not a common benign variant in these populations. Since Lysine and Glutamine differ in some properties, this is considered a semi-conservative amino acid substitution. ATM Lys276Gln occurs at a position that is conserved across species and is not located in a known functional domain (UniProt). In silico analyses predict that this variant is probably damaging to protein structure and function. Based on currently available information, it is unclear whether ATM Lys276Gln is pathogenic or benign. We consider it to be a variant of uncertain significance.

NM_000051.4(ATM):c.826A>C (p.Lys276Gln)

Gene: ATM (ATM serine/threonine kinase; plus strand). Cytogenetic location: 11q22.3.
Variant type: single nucleotide variant.
Coding change: c.826A>C on transcript NM_000051.4 (MANE Select); coding-DNA position 826, A replaced by C.
Protein change: p.Lys276Gln; replaces lysine 276 with glutamine.
Molecular consequence: missense variant.
Genome position (GRCh38, 1-based): chr11:108,244,951, A>C. VCF-style: chr11-108244951-A-C. GRCh37 (hg19) VCF-style: chr11-108115678-A-C.
Other names: c.826A>C, p.Lys276Gln (NM_001351834.2); short protein forms K276Q.
Identifiers: ClinVar variation 419650 (VCV000419650.11), dbSNP rs587782902, ClinGen allele CA16619100.